The following is an entry in ClinVar:

NM_001040142.2(SCN2A):c.5958T>A (p.Phe1986Leu)

Gene: SCN2A (sodium voltage-gated channel alpha subunit 2; plus strand). Cytogenetic location: 2q24.3.
Variant type: single nucleotide variant.
Coding change: c.5958T>A on transcript NM_001040142.2 (MANE Select); coding-DNA position 5958, T replaced by A.
Protein change: p.Phe1986Leu; replaces phenylalanine 1986 with leucine.
Molecular consequence: missense variant.
Genome position (GRCh38, 1-based): chr2:165,389,764, T>A. VCF-style: chr2-165389764-T-A. GRCh37 (hg19) VCF-style: chr2-166246274-T-A.
Other names: c.5958T>A, p.Phe1986Leu (NM_001040143.2, NM_001371246.1, NM_001371247.1 and 1 more transcripts); short protein forms F1986L.
Identifiers: ClinVar variation 930427 (VCV000930427.3), dbSNP rs1702056050, ClinGen allele CA349041748.

ClinVar aggregate classification (germline): Uncertain significance (1 of 4 stars; one submission).

Conditions:
Seizures, benign familial infantile, 3 (BFIS3). Also called: CONVULSIONS, BENIGN FAMILIAL INFANTILE, 3; Familial neonatal seizures. Identifiers: Orphanet 140927, Orphanet 306, MedGen C1843140, MONDO:0011904, OMIM 607745.

Submission:

Centre for Mendelian Genomics, University Medical Centre Ljubljana
Classification: Uncertain significance for Seizures, benign familial infantile, 3. Last evaluated: 2019-02-27. Review status: criteria provided, single submitter. Criteria: ACMG Guidelines, 2015. Collection method: clinical testing. Allele origin: unknown. Affected: yes.
Comment: This variant was classified as: Uncertain significance. The available evidence on this variant's pathogenicity is insufficient or conflicting. The following ACMG criteria were applied in classifying this variant: PM2.